The following is an entry in ClinVar:

ClinVar aggregate classification (germline): Likely benign. Review status: criteria provided, multiple submitters, no conflicts (2 of 4 stars). 2 submissions from 2 submitters: Likely benign (2). Last evaluated 2025-12-30.

Conditions:
Congenital disorder of glycosylation type 1E (CDG1E). Also called: CONGENITAL DISORDER OF GLYCOSYLATION, TYPE Ie; CDG Ie. Identifiers: Orphanet 79322, MedGen C1837396, MONDO:0012123, OMIM 608799.

Allele frequency attached by ClinVar (database versions not stated): TOPMed 0.00010; ESP Exome Variant Server 0.00015; 1000 Genomes Project 30x 0.00016; 1000 Genomes Project 0.00020.
gnomAD v4.1: 76 of 1,613,832 alleles (0.0047%); highest among the groups gnomAD compares: African/African-American, 0.055%; no homozygotes.

Submissions (2):

Labcorp Genetics (formerly Invitae), Labcorp
Classification: Likely benign for Congenital disorder of glycosylation type 1E. Last evaluated: 2025-12-30. Review status: criteria provided, single submitter. Criteria: Invitae Variant Classification Sherloc (09022015). Collection method: clinical testing. Allele origin: germline.

CeGaT Center for Human Genetics Tuebingen
Classification: Likely benign. Last evaluated: 2022-03-01. Review status: criteria provided, single submitter. Criteria: CeGaT Center For Human Genetics Tuebingen Variant Classification Criteria Version 2. Collection method: clinical testing. Allele origin: germline. Affected: yes. Observed: 1 variant allele.
Comment: DPM1: BP4, BP7

NM_003859.3(DPM1):c.18C>G (p.Val6=)

Genes: DPM1 (dolichyl-phosphate mannosyltransferase subunit 1, catalytic; minus strand), LOC130066166 (ATAC-STARR-seq lymphoblastoid active region 18108; plus strand). Cytogenetic location: 20q13.13.
Variant type: single nucleotide variant.
Coding change: c.18C>G on transcript NM_003859.3 (MANE Select); coding-DNA position 18, C replaced by G.
Protein change: p.Val6=; no amino-acid change (valine 6 retained).
Molecular consequence: synonymous variant. On other transcripts: non-coding transcript variant (1).
Genome position (GRCh38, 1-based): chr20:50,958,506, G>C on the plus strand (C>G on the coding strand, the complement: DPM1 is on the minus strand). VCF-style: chr20-50958506-G-C. GRCh37 (hg19) VCF-style: chr20-49575043-G-C.
Other names: c.18C>G, p.Val6= (NM_001317034.1, NM_001317035.1, NM_001317036.1).
Identifiers: ClinVar variation 711224 (VCV000711224.41), dbSNP rs141104808, ClinGen allele CA9909276.